The following is an entry in ClinVar:

NM_006744.4(RBP4):c.198C>T (p.Asp66=)

Gene: RBP4 (retinol binding protein 4; minus strand). Cytogenetic location: 10q23.33.
Variant type: single nucleotide variant.
Coding change: c.198C>T on transcript NM_006744.4 (MANE Select); coding-DNA position 198, C replaced by T.
Protein change: p.Asp66=; no amino-acid change (aspartic acid 66 retained).
Molecular consequence: synonymous variant.
Genome position (GRCh38, 1-based): chr10:93,600,717, G>A on the plus strand (C>T on the coding strand, the complement: RBP4 is on the minus strand). VCF-style: chr10-93600717-G-A. GRCh37 (hg19) VCF-style: chr10-95360474-G-A.
Other names: c.198C>T, p.Asp66= (NM_001323517.1); c.192C>T, p.Asp64= (NM_001323518.2); c.198C>T (NM_006744.3).
Identifiers: ClinVar variation 1134078 (VCV001134078.13), dbSNP rs142149253, ClinGen allele CA5609639.

ClinVar aggregate classification (germline): Likely benign. Review status: criteria provided, multiple submitters, no conflicts (2 of 4 stars). 4 submissions from 4 submitters: Likely benign (3). 1 of the submissions does not count toward it. Last evaluated 2026-01-20.

Conditions:
RBP4-related disorder. Also called: RBP4-related condition.

Allele frequency attached by ClinVar (database versions not stated): TOPMed 0.00005; gnomAD exomes 0.00006 and 0.00007; gnomAD 0.00007; ExAC 0.00010; ESP Exome Variant Server 0.00023.
gnomAD v4.1: 94 of 1,610,510 alleles (0.0058%); highest among the groups gnomAD compares: Middle Eastern, 0.033%; no homozygotes.

Submissions (4):

Labcorp Genetics (formerly Invitae), Labcorp
Classification: Likely benign. Last evaluated: 2026-01-20. Review status: criteria provided, single submitter. Criteria: Invitae Variant Classification Sherloc (09022015). Collection method: clinical testing. Allele origin: germline.

Blueprint Genetics
Classification: Likely benign. Last evaluated: 2024-06-19. Review status: criteria provided, single submitter. Criteria: ACMG Guidelines, 2015. Collection method: clinical testing. Allele origin: germline.

Breakthrough Genomics
Classification: Likely benign. Review status: criteria provided, single submitter. Criteria: ACMG Guidelines, 2015. Collection method: not provided. Allele origin: germline. Inheritance: Autosomal recessive inheritance. Affected: yes.

PreventionGenetics, part of Exact Sciences
Classification: Likely benign for RBP4-related condition. Last evaluated: 2020-02-19. Review status: no assertion criteria provided. Collection method: clinical testing. Allele origin: germline. Not counted in ClinVar's aggregate classification.
Comment: This variant is classified as likely benign based on ACMG/AMP sequence variant interpretation guidelines (Richards et al. 2015 PMID: 25741868, with internal and published modifications).